The following is an entry in ClinVar:

ClinVar aggregate classification (germline): Likely pathogenic (1 of 4 stars; one submission).

Conditions:
Marfan syndrome (MFS). Also called: Marfan syndrome type 1; Marfan's syndrome; FBN1-Related Marfan Syndrome; MARFAN SYNDROME, TYPE I; Marfan syndrome, classic. Identifiers: Orphanet 284963, Orphanet 558, MedGen C0024796, MONDO:0007947, OMIM 154700.

Submission:

Laboratory of Medical Genetics, National & Kapodistrian University of Athens
Classification: Likely pathogenic for Marfan syndrome. Last evaluated: 2021-10-01. Review status: criteria provided, single submitter. Criteria: ACMG Guidelines, 2015. Collection method: clinical testing. Allele origin: de novo. Affected: yes.
Comment: PS2, PM2, PP3, PP4

Literature cited by the submitters: PubMed 34008892.

NM_000138.5(FBN1):c.6314-3del

Gene: FBN1 (fibrillin 1; minus strand). Cytogenetic location: 15q21.1.
Variant type: Deletion.
Coding change: c.6314-3del on transcript NM_000138.5 (MANE Select); 3 bases into the intron before coding-DNA position 6314, one base deleted (C; older notation c.6314-3delC).
Molecular consequence: intron variant.
Genome position (GRCh38, 1-based): chr15:48,437,390, G deleted on the plus strand (C on the coding strand, the reverse complement: FBN1 is on the minus strand). VCF-style (leftmost placement, unchanged base first): chr15-48437389-TG-T. GRCh37 (hg19) VCF-style: chr15-48729586-TG-T.
Identifiers: ClinVar variation 1299631 (VCV001299631.1), dbSNP rs2141240967, ClinGen allele CA2499222974.